The following is an entry in ClinVar:

ClinVar aggregate classification (germline): Uncertain significance (1 of 4 stars; one submission).

Conditions:
Hereditary cancer-predisposing syndrome. Also called: Neoplastic Syndromes, Hereditary; Tumor predisposition; Hereditary Cancer Syndrome; Hereditary neoplastic syndrome. Identifiers: Orphanet 140162, MedGen C0027672, MeSH D009386, MONDO:0015356.

Submission:

Ambry Genetics
Classification: Uncertain significance for Hereditary cancer-predisposing syndrome. Last evaluated: 2022-05-07. Review status: criteria provided, single submitter. Criteria: Ambry Variant Classification Scheme 2023. Collection method: clinical testing. Allele origin: germline.
Comment: The p.I1263V variant (also known as c.3787A>G), located in coding exon 19 of the BLM gene, results from an A to G substitution at nucleotide position 3787. The isoleucine at codon 1263 is replaced by valine, an amino acid with highly similar properties. This amino acid position is conserved. In addition, the in silico prediction for this alteration is inconclusive. Since supporting evidence is limited at this time, the clinical significance of this alteration remains unclear.

NM_000057.4(BLM):c.3787A>G (p.Ile1263Val)

Gene: BLM (BLM RecQ like helicase; plus strand). Cytogenetic location: 15q26.1.
Variant type: single nucleotide variant.
Coding change: c.3787A>G on transcript NM_000057.4 (MANE Select); coding-DNA position 3787, A replaced by G.
Protein change: p.Ile1263Val; replaces isoleucine 1263 with valine.
Molecular consequence: missense variant.
Genome position (GRCh38, 1-based): chr15:90,809,172, A>G. VCF-style: chr15-90809172-A-G. GRCh37 (hg19) VCF-style: chr15-91352402-A-G.
Other names: c.3787A>G, p.Ile1263Val (NM_001287246.2); c.3394A>G, p.Ile1132Val (NM_001287247.2); c.2662A>G, p.Ile888Val (NM_001287248.2); short protein forms I1263V, I888V, I1132V.
Identifiers: ClinVar variation 1734893 (VCV001734893.2), dbSNP rs2505561492, ClinGen allele CA393849656.
Genomic context (GRCh38, chr15:90,809,172, plus strand): 5'-TTCCTAATTTTATGCCTTTGCACAGAATCTTTATCTTCTGATCCTGAGGTTTTGCTTCAA[A>G]TTGATGGTGTTACTGAAGACAAACTGGAAAAATATGGTGCGGAAGTGATTTCAGTATTAC-3'
Protein context (NP_000048.1, residues 1253-1273): LSSDPEVLLQ[Ile1263Val]DGVTEDKLEK